The following is an entry in ClinVar:

ClinVar aggregate classification (germline): Uncertain significance (1 of 4 stars; one submission).

Conditions:
Hereditary cancer-predisposing syndrome. Also called: Tumor predisposition; Hereditary neoplastic syndrome; Neoplastic Syndromes, Hereditary; Hereditary Cancer Syndrome. Identifiers: Orphanet 140162, MedGen C0027672, MeSH D009386, MONDO:0015356.

Submission:

Ambry Genetics
Classification: Uncertain significance for Hereditary cancer-predisposing syndrome. Last evaluated: 2025-03-26. Review status: criteria provided, single submitter. Criteria: Ambry Variant Classification Scheme 2023. Collection method: clinical testing. Allele origin: germline.
Comment: The c.4272_4273delTGinsGA variant, located in coding exon 10 of the BRCA2 gene, results from an in-frame deletion of TG and insertion of GA at nucleotide positions 4272 to 4273. This results in the substitution of the aspartic acid residue for an asparagine residue at codon 1425, an amino acid with highly similar properties. This amino acid position is poorly conserved in available vertebrate species. In addition, the in silico prediction for this alteration is inconclusive (Choi Y et al. PLoS ONE. 2012; 7(10):e46688). Based on the available evidence, the clinical significance of this variant remains unclear.

NM_000059.4(BRCA2):c.4272_4273delinsGA (p.Asp1425Asn)

Gene: BRCA2 (BRCA2 DNA repair associated; plus strand). Cytogenetic location: 13q13.1.
Variant type: Indel.
Coding change: c.4272_4273delinsGA on transcript NM_000059.4 (MANE Select); coding-DNA positions 4272 to 4273, TG replaced by GA.
Protein change: p.Asp1425Asn; replaces aspartic acid 1425 with asparagine.
Molecular consequence: missense variant. On other transcripts: non-coding transcript variant (1), intron variant (2).
Genome position (GRCh38, 1-based): chr13:32,338,627-32,338,628, TG replaced by GA. VCF-style: chr13-32338627-TG-GA. GRCh37 (hg19) VCF-style: chr13-32912764-TG-GA.
Other names: c.4272_4273delinsGA, p.Asp1425Asn (NM_001406719.1, NM_001406720.1, NM_001432077.1); c.1909+5240_1909+5241delinsGA (NM_001406721.1); c.425-5931_425-5930delinsGA (NM_001406722.1); short protein forms D1425N.
Identifiers: ClinVar variation 3992745 (VCV003992745.1).